The following is an entry in ClinVar:

ClinVar aggregate classification (germline): Pathogenic/Likely pathogenic. Review status: criteria provided, multiple submitters, no conflicts (2 of 4 stars). 2 submissions from 2 submitters: Pathogenic (1); Likely pathogenic (1). Last evaluated 2024-10-02.

Conditions:
Primary ciliary dyskinesia. Also called: Ciliary dyskinesia. Identifiers: Orphanet 244, MedGen C0008780, MONDO:0016575, HP:0012265.

Submissions (2):

Natera, Inc.
Classification: Likely pathogenic for Primary ciliary dyskinesia. Last evaluated: 2024-10-02. Review status: criteria provided, single submitter. Criteria: Natera Variant Classification Schema (03/2026). Collection method: clinical testing. Allele origin: germline.
Comment: The c.2100_2106del variant in DNAH5 is a frameshift variant predicted to shift the reading frame beginning at codon 701 and leads to a stop codon 6 codons downstream. This variant is expected to result in nonsense mediated decay, truncation, or a dysfunctional protein product. This variant is rare in the general population with a frequency below the threshold expected for the associated phenotype(s). Given the available evidence, this variant is classified as Likely Pathogenic.

Labcorp Genetics (formerly Invitae), Labcorp
Classification: Pathogenic for Primary ciliary dyskinesia. Last evaluated: 2023-07-16. Review status: criteria provided, single submitter. Criteria: Invitae Variant Classification Sherloc (09022015). Collection method: clinical testing. Allele origin: germline.
Comment: For these reasons, this variant has been classified as Pathogenic. Algorithms developed to predict the effect of sequence changes on RNA splicing suggest that this variant may disrupt the consensus splice site. This variant has not been reported in the literature in individuals affected with DNAH5-related conditions. This variant is not present in population databases (gnomAD no frequency). This sequence change creates a premature translational stop signal (p.Pro701Glnfs*6) in the DNAH5 gene. It is expected to result in an absent or disrupted protein product. Loss-of-function variants in DNAH5 are known to be pathogenic (PMID: 11788826, 16627867).

Literature cited by the submitters: PubMed 11788826 (cited by Labcorp Genetics (formerly Invitae), Labcorp); PubMed 16627867 (cited by Labcorp Genetics (formerly Invitae), Labcorp).

NM_001369.3(DNAH5):c.2100_2106del (p.Pro701fs)

Genes: DNAH5 (dynein axonemal heavy chain 5; minus strand), DNAH5-AS1 (DNAH5 antisense RNA 1; plus strand). Cytogenetic location: 5p15.2.
Variant type: Deletion.
Coding change: c.2100_2106del on transcript NM_001369.3 (MANE Select); coding-DNA positions 2100 to 2106, 7 bases deleted (TCCAGGC; older notation c.2100_2106delTCCAGGC).
Protein change: p.Pro701fs; shifts the reading frame from proline 701.
Molecular consequence: frameshift variant.
Genome position (GRCh38, 1-based): chr5:13,900,359-13,900,365, GCCTGGA deleted on the plus strand (TCCAGGC on the coding strand, the reverse complement: DNAH5 is on the minus strand); deleting any 7 consecutive bases within chr5:13,900,359-13,900,369 gives the same sequence; the c. name uses the placement nearest the transcript's 3' end. VCF-style (leftmost placement, unchanged base first): chr5-13900358-TGCCTGGA-T. GRCh37 (hg19) VCF-style: chr5-13900467-TGCCTGGA-T.
Other names: c.2100_2106del (NM_001369.2); short protein forms P701fs.
Identifiers: ClinVar variation 2743635 (VCV002743635.4), dbSNP rs2547088109, ClinGen allele CA2697547044.